The following is an entry in ClinVar:

NM_206933.4(USH2A):c.3623G>A (p.Trp1208Ter)

Genes: USH2A (usherin; minus strand), USH2A-AS1 (USH2A antisense RNA 1; plus strand). Cytogenetic location: 1q41.
Variant type: single nucleotide variant.
Coding change: c.3623G>A on transcript NM_206933.4 (MANE Select); coding-DNA position 3623, G replaced by A.
Protein change: p.Trp1208Ter; replaces tryptophan 1208 with a stop codon.
Molecular consequence: nonsense.
Genome position (GRCh38, 1-based): chr1:216,199,815, C>T on the plus strand (G>A on the coding strand, the complement: USH2A is on the minus strand). VCF-style: chr1-216199815-C-T. GRCh37 (hg19) VCF-style: chr1-216373157-C-T.
Other names: c.3623G>A, p.Trp1208Ter (NM_007123.6); short protein forms W1208*.
Identifiers: ClinVar variation 1725594 (VCV001725594.2), dbSNP rs2528046090, ClinGen allele CA344868035.

ClinVar aggregate classification (germline): Likely pathogenic (1 of 4 stars; one submission).

Conditions:
Usher syndrome type 2A. Also called: RETINAL DISEASE IN USHER SYNDROME TYPE IIA, MODIFIER OF; USHER SYNDROME, TYPE IIA. Identifiers: Orphanet 231178, Orphanet 886, MedGen C1848634, MONDO:0010169, OMIM 276901.

Submission:

Myriad Genetics, Inc.
Classification: Likely pathogenic for Usher syndrome type 2A. Last evaluated: 2022-03-30. Review status: criteria provided, single submitter. Criteria: Myriad Women's Health Autosomal Recessive and X-Linked Classification Criteria (2021). Collection method: clinical testing. Allele origin: unknown.
Comment: NM_206933.2(USH2A):c.3623G>A(W1208*) is expected to be pathogenic in the context of USH2A-related disorders. This variant is predicted to lead to an abnormal or absent protein product due to the creation of a premature termination codon in USH2A, a gene where loss-of-function variants are known to be pathogenic. Please note: this variant was assessed in the context of healthy population screening.